The following is an entry in ClinVar:

ClinVar aggregate classification (germline): Uncertain significance (1 of 4 stars; one submission).

Conditions:
Smith-Magenis syndrome (SMS). Also called: CHROMOSOME 17p11.2 DELETION SYNDROME. Identifiers: Orphanet 819, MedGen C0795864, MONDO:0008434, OMIM 182290.

gnomAD v4.1: 2 of 1,614,000 alleles (0.00012%); highest among the groups gnomAD compares: Non-Finnish European, 0.00017%; no homozygotes.

Submission:

Laboratorio de Genetica e Diagnostico Molecular, Hospital Israelita Albert Einstein
Classification: Uncertain significance for Smith-Magenis syndrome. Last evaluated: 2024-10-11. Review status: criteria provided, single submitter. Criteria: ACMG Guidelines, 2015. Collection method: clinical testing. Allele origin: germline. Affected: yes.
Comment: ACMG classification criteria: PM2 supporting

NM_030665.4(RAI1):c.1085C>T (p.Pro362Leu)

Gene: RAI1 (retinoic acid induced 1; plus strand). Cytogenetic location: 17p11.2.
Variant type: single nucleotide variant.
Coding change: c.1085C>T on transcript NM_030665.4 (MANE Select); coding-DNA position 1085, C replaced by T.
Protein change: p.Pro362Leu; replaces proline 362 with leucine.
Molecular consequence: missense variant.
Genome position (GRCh38, 1-based): chr17:17,794,033, C>T. VCF-style: chr17-17794033-C-T. GRCh37 (hg19) VCF-style: chr17-17697347-C-T.
Other names: short protein forms P362L.
Identifiers: ClinVar variation 4076364 (VCV004076364.1).
Genomic context (GRCh38, chr17:17,794,033, plus strand): 5'-CCAGCCACTCACCCGCCCGCTCCGTGGGCCGCTCACCTTCCTACAGTTCCACACCGTCGC[C>T]GCTGATGCCAAACCTGGAGAACTTTCCCTACAGCCAGCAGCCGCTCAGCACCGGGGCCTT-3'
Protein context (NP_109590.3, residues 352-372): RSPSYSSTPS[Pro362Leu]LMPNLENFPY